The following is an entry in ClinVar:

ClinVar aggregate classification (germline): Likely benign. Review status: criteria provided, multiple submitters, no conflicts (2 of 4 stars). 2 submissions from 2 submitters: Likely benign (2). Last evaluated 2025-12-27.

Allele frequency attached by ClinVar (database versions not stated): ExAC 0.00002; TOPMed 0.00002.
gnomAD v4.1: 108 of 1,613,192 alleles (0.0067%); highest among the groups gnomAD compares: Middle Eastern, 0.033%; no homozygotes.

Submissions (2):

Labcorp Genetics (formerly Invitae), Labcorp
Classification: Likely benign. Last evaluated: 2025-12-27. Review status: criteria provided, single submitter. Criteria: Invitae Variant Classification Sherloc (09022015). Collection method: clinical testing. Allele origin: germline.

CeGaT Center for Human Genetics Tuebingen
Classification: Likely benign. Last evaluated: 2022-07-01. Review status: criteria provided, single submitter. Criteria: CeGaT Center For Human Genetics Tuebingen Variant Classification Criteria Version 2. Collection method: clinical testing. Allele origin: germline. Affected: yes. Observed: 1 variant allele.
Comment: FOCAD: BP4

NM_001375567.1(FOCAD):c.4590C>T (p.Leu1530=)

Gene: FOCAD (focadhesin; plus strand). Cytogenetic location: 9p21.3.
Variant type: single nucleotide variant.
Coding change: c.4590C>T on transcript NM_001375567.1 (MANE Select); coding-DNA position 4590, C replaced by T.
Protein change: p.Leu1530=; no amino-acid change (leucine 1530 retained).
Molecular consequence: synonymous variant.
Genome position (GRCh38, 1-based): chr9:20,981,638, C>T. VCF-style: chr9-20981638-C-T. GRCh37 (hg19) VCF-style: chr9-20981637-C-T.
Other names: c.4485C>T, p.Leu1495= (NM_001375568.1, NM_001375570.1); c.4590C>T, p.Leu1530= (NM_017794.5).
Identifiers: ClinVar variation 2659114 (VCV002659114.27), dbSNP rs752255528, ClinGen allele CA5007980.
Genomic context (GRCh38, chr9:20,981,638, plus strand): 5'-ACACGGTCTGAGCCAGGCCATGAAACTGCCCAGCCCTGCCCACCACCTCTGGAGTCTGCT[C>T]TCTGAAGCTACTGGGAAAATTTTTGACCTCCTGCCAAATAAGATTCGGGTGAGGAACAAA-3'
Protein context (NP_001362496.1, residues 1520-1540): PSPAHHLWSL[Leu1530=]SEATGKIFDL